The following is an entry in ClinVar:

NM_020207.7(ERCC6L2):c.203A>G (p.Gln68Arg)

Gene: ERCC6L2 (ERCC excision repair 6 like 2; plus strand). Cytogenetic location: 9q22.32.
Variant type: single nucleotide variant.
Coding change: c.203A>G on transcript NM_020207.7 (MANE Select); coding-DNA position 203, A replaced by G.
Protein change: p.Gln68Arg; replaces glutamine 68 with arginine.
Molecular consequence: missense variant. On other transcripts: non-coding transcript variant (1).
Genome position (GRCh38, 1-based): chr9:95,881,025, A>G. VCF-style: chr9-95881025-A-G. GRCh37 (hg19) VCF-style: chr9-98643307-A-G.
Other names: c.203A>G, p.Gln68Arg (NM_001010895.4, NM_001375291.1, NM_001375292.1 and 2 more transcripts); short protein forms Q68R.
Identifiers: ClinVar variation 1018355 (VCV001018355.9), dbSNP rs752189445, ClinGen allele CA5139255.

ClinVar aggregate classification (germline): Conflicting classifications of pathogenicity. Review status: criteria provided, conflicting classifications (1 of 4 stars). 2 submissions from 2 submitters: Uncertain significance (1); Likely benign (1). Last evaluated 2025-01-17.

Conditions:
Inborn genetic diseases. Identifiers: MedGen C0950123, MeSH D030342.

Allele frequency attached by ClinVar (database versions not stated): gnomAD exomes below 0.00001 and 0.00001; ExAC 0.00001; TOPMed 0.00002.

Submissions (2):

Ambry Genetics
Classification: Likely benign for Inborn genetic diseases. Last evaluated: 2025-01-17. Review status: criteria provided, single submitter. Criteria: Ambry Variant Classification Scheme 2023. Collection method: clinical testing. Allele origin: germline.

Labcorp Genetics (formerly Invitae), Labcorp
Classification: Uncertain significance. Last evaluated: 2022-07-07. Review status: criteria provided, single submitter. Criteria: Invitae Variant Classification Sherloc (09022015). Collection method: clinical testing. Allele origin: germline.
Comment: In summary, the available evidence is currently insufficient to determine the role of this variant in disease. Therefore, it has been classified as a Variant of Uncertain Significance. Algorithms developed to predict the effect of missense changes on protein structure and function output the following: SIFT: "Tolerated"; PolyPhen-2: "Not Available"; Align-GVGD: "Class C0". The arginine amino acid residue is found in multiple mammalian species, which suggests that this missense change does not adversely affect protein function. ClinVar contains an entry for this variant (Variation ID: 1018355). This variant has not been reported in the literature in individuals affected with ERCC6L2-related conditions. This variant is present in population databases (rs752189445, gnomAD 0.003%). This sequence change replaces glutamine, which is neutral and polar, with arginine, which is basic and polar, at codon 79 of the ERCC6L2 protein (p.Gln79Arg).